The following is an entry in ClinVar:

NM_001376.5(DYNC1H1):c.12939C>T (p.Pro4313=)

Gene: DYNC1H1 (dynein cytoplasmic 1 heavy chain 1; plus strand). Cytogenetic location: 14q32.31.
Variant type: single nucleotide variant.
Coding change: c.12939C>T on transcript NM_001376.5 (MANE Select); coding-DNA position 12939, C replaced by T.
Protein change: p.Pro4313=; no amino-acid change (proline 4313 retained).
Molecular consequence: synonymous variant.
Genome position (GRCh38, 1-based): chr14:102,044,631, C>T. VCF-style: chr14-102044631-C-T. GRCh37 (hg19) VCF-style: chr14-102510968-C-T.
Other names: p.Pro4313=.
Identifiers: ClinVar variation 701120 (VCV000701120.41), dbSNP rs151172467, ClinGen allele CA7354082.

ClinVar aggregate classification (germline): Likely benign. Review status: criteria provided, multiple submitters, no conflicts (2 of 4 stars). 7 submissions from 7 submitters: Likely benign (7). Last evaluated 2026-02-25.

Conditions:
Inborn genetic diseases. Identifiers: MedGen C0950123, MeSH D030342.
DYNC1H1-related disorder. Also called: DYNC1H1-related disorders; DYNC1H1-related condition. Identifiers: MedGen CN381529.
Charcot-Marie-Tooth disease axonal type 2O. Also called: Charcot-Marie-Tooth Neuropathy Type 2O; Charcot-Marie-Tooth disease, axonal, type 20; CHARCOT-MARIE-TOOTH NEUROPATHY, AXONAL, TYPE 2O; CHARCOT-MARIE-TOOTH DISEASE, AXONAL, AUTOSOMAL DOMINANT, TYPE 2O. Identifiers: Orphanet 284232, MedGen C3280220, MONDO:0013644, OMIM 614228.

Allele frequency attached by ClinVar (database versions not stated): gnomAD exomes 0.00008 and 0.00014; gnomAD 0.00009 and 0.00011; ExAC 0.00018; TOPMed 0.00018; ESP Exome Variant Server 0.00023.
gnomAD v4.1: 133 of 1,614,148 alleles (0.0082%); highest among the groups gnomAD compares: African/African-American, 0.033%; no homozygotes.

Submissions (7):

PreventionGenetics, part of Exact Sciences
Classification: Likely benign for DYNC1H1-related condition. Last evaluated: 2026-02-25. Review status: criteria provided, single submitter. Criteria: ACMG Guidelines, 2015. Collection method: clinical testing. Allele origin: germline.
Comment: This variant is classified as likely benign based on ACMG/AMP sequence variant interpretation guidelines (Richards et al. 2015 PMID: 25741868, with internal and published modifications).

Labcorp Genetics (formerly Invitae), Labcorp
Classification: Likely benign for Charcot-Marie-Tooth disease axonal type 2O. Last evaluated: 2025-11-28. Review status: criteria provided, single submitter. Criteria: Invitae Variant Classification Sherloc (09022015). Collection method: clinical testing. Allele origin: germline.

Mayo Clinic Laboratories, Mayo Clinic
Classification: Likely benign. Last evaluated: 2025-03-28. Review status: criteria provided, single submitter. Criteria: ACMG Guidelines, 2015. Collection method: clinical testing. Allele origin: germline. Observed: 4 variant alleles.
Comment: BS2, BP4, BP7

CeGaT Center for Human Genetics Tuebingen
Classification: Likely benign. Last evaluated: 2023-12-01. Review status: criteria provided, single submitter. Criteria: CeGaT Center For Human Genetics Tuebingen Variant Classification Criteria Version 2. Collection method: clinical testing. Allele origin: germline. Affected: yes. Observed: 1 variant allele.
Comment: DYNC1H1: BP4, BP7

GeneDx
Classification: Likely benign. Last evaluated: 2022-05-10. Review status: criteria provided, single submitter. Criteria: GeneDx Variant Classification Process June 2021. Collection method: clinical testing. Allele origin: germline. Affected: yes.
Comment: See Variant Classification Assertion Criteria.

Ambry Genetics
Classification: Likely benign for Inborn genetic diseases. Last evaluated: 2017-06-15. Review status: criteria provided, single submitter. Criteria: Ambry Variant Classification Scheme 2023. Collection method: clinical testing. Allele origin: germline.

Breakthrough Genomics
Classification: Likely benign. Review status: criteria provided, single submitter. Criteria: ACMG Guidelines, 2015. Collection method: not provided. Allele origin: germline. Inheritance: Autosomal dominant inheritance. Affected: yes.